The following is an entry in ClinVar:

NM_000264.5(PTCH1):c.270_271delinsAA (p.Gly91Ser)

Gene: PTCH1 (patched 1; minus strand). Cytogenetic location: 9q22.32.
Variant type: Indel.
Coding change: c.270_271delinsAA on transcript NM_000264.5 (MANE Select); coding-DNA positions 270 to 271, GG replaced by AA.
Protein change: p.Gly91Ser; replaces glycine 91 with serine.
Molecular consequence: missense variant. On other transcripts: 5 prime UTR variant (4), non-coding transcript variant (1).
Genome position (GRCh38, 1-based): chr9:95,506,530-95,506,531, CC replaced by TT on the plus strand (GG replaced by AA on the coding strand, the reverse complement: PTCH1 is on the minus strand). VCF-style: chr9-95506530-CC-TT. GRCh37 (hg19) VCF-style: chr9-98268812-CC-TT.
Other names: c.72_73delinsAA, p.Gly25Ser (NM_001083602.3, NM_001354919.2); c.267_268delinsAA, p.Gly90Ser (NM_001083603.3); c.-184_-183delinsAA (NM_001083604.3, NM_001083605.3, NM_001083606.3 and 1 more transcripts); c.270_271delinsAA, p.Gly91Ser (NM_001354918.2); short protein forms G91S, G25S, G90S.
Identifiers: ClinVar variation 1794919 (VCV001794919.2), dbSNP rs2538383894, ClinGen allele CA2580080720.

ClinVar aggregate classification (germline): Uncertain significance (1 of 4 stars; one submission).

Conditions:
Hereditary cancer-predisposing syndrome. Also called: Tumor predisposition; Hereditary Cancer Syndrome; Neoplastic Syndromes, Hereditary; Hereditary neoplastic syndrome. Identifiers: Orphanet 140162, MedGen C0027672, MeSH D009386, MONDO:0015356.

Submission:

Ambry Genetics
Classification: Uncertain significance for Hereditary cancer-predisposing syndrome. Last evaluated: 2020-07-15. Review status: criteria provided, single submitter. Criteria: Ambry Variant Classification Scheme 2023. Collection method: clinical testing. Allele origin: germline.
Comment: The c.270_271delGGinsAA variant, located in coding exon 2 of the PTCH1 gene, results from an in-frame deletion of GG and insertion of AA at nucleotide positions 270 to 271. This results in the substitution of the glycine residue for a serine residue at codon 91, an amino acid with similar properties. This amino acid position is highly conserved in available vertebrate species. In addition, this alteration is predicted to be inconclusive by in silico analysis (Choi Y et al. PLoS ONE. 2012; 7(10):e46688). Since supporting evidence is limited at this time, the clinical significance of this alteration remains unclear.